The following is an entry in ClinVar:

NM_000051.4(ATM):c.7675A>G (p.Ile2559Val)

Genes: ATM (ATM serine/threonine kinase; plus strand), C11orf65 (chromosome 11 open reading frame 65; minus strand). Cytogenetic location: 11q22.3.
Variant type: single nucleotide variant.
Coding change: c.7675A>G on transcript NM_000051.4 (MANE Select); coding-DNA position 7675, A replaced by G.
Protein change: p.Ile2559Val; replaces isoleucine 2559 with valine.
Molecular consequence: missense variant. On other transcripts: intron variant (2).
Genome position (GRCh38, 1-based): chr11:108,331,924, A>G. VCF-style: chr11-108331924-A-G. GRCh37 (hg19) VCF-style: chr11-108202651-A-G.
Other names: c.7675A>G, p.Ile2559Val (NM_001351834.2); c.641-22853T>C (NM_001330368.2); c.*38+3296T>C (NM_001351110.2); short protein forms I2559V.
Identifiers: ClinVar variation 1313689 (VCV001313689.4), dbSNP rs1156348668, ClinGen allele CA382560984.

ClinVar aggregate classification (germline): Uncertain significance (1 of 4 stars; one submission).

Allele frequency attached by ClinVar (database versions not stated): TOPMed 0.00002.

Submission:

GeneDx
Classification: Uncertain significance. Last evaluated: 2020-11-20. Review status: criteria provided, single submitter. Criteria: GeneDx Variant Classification Process June 2021. Collection method: clinical testing. Allele origin: germline. Affected: yes.
Comment: Not observed in large population cohorts (Lek 2016); In silico analysis supports that this missense variant does not alter protein structure/function; Has not been previously published as pathogenic or benign to our knowledge